The following is an entry in ClinVar:

ClinVar aggregate classification (germline): Likely pathogenic (1 of 4 stars; one submission).

Conditions:
Focal-onset seizure. Also called: Focal seizures. Identifiers: MedGen C0751495, HP:0007359.
Moderate global developmental delay. Identifiers: MedGen C2237142, HP:0011343.
Epileptic encephalopathy. Identifiers: MedGen C0543888, HP:0200134.

Submission:

Institute of Human Genetics, University of Leipzig Medical Center
Classification: Likely pathogenic for Focal-onset seizure; Moderate global developmental delay; Epileptic encephalopathy. Last evaluated: 2023-03-29. Review status: criteria provided, single submitter. Criteria: ACMG Guidelines, 2015. Collection method: clinical testing. Allele origin: unknown. Affected: yes.
Comment: _x000D_ Criteria applied: PVS1, PM2_SUP

NM_005898.5(CAPRIN1):c.1654C>T (p.Gln552Ter)

Gene: CAPRIN1 (cell cycle associated protein 1; plus strand). Cytogenetic location: 11p13.
Variant type: single nucleotide variant.
Coding change: c.1654C>T on transcript NM_005898.5 (MANE Select); coding-DNA position 1654, C replaced by T.
Protein change: p.Gln552Ter; replaces glutamine 552 with a stop codon.
Molecular consequence: nonsense.
Genome position (GRCh38, 1-based): chr11:34,092,005, C>T. VCF-style: chr11-34092005-C-T. GRCh37 (hg19) VCF-style: chr11-34113552-C-T.
Other names: c.1654C>T, p.Gln552Ter (NM_203364.3); short protein forms Q552*.
Identifiers: ClinVar variation 2500315 (VCV002500315.1), dbSNP rs1851273791, ClinGen allele CA380031990.